The following is an entry in ClinVar:

NM_000426.4(LAMA2):c.6956G>C (p.Arg2319Pro)

Gene: LAMA2 (laminin subunit alpha 2; plus strand). Cytogenetic location: 6q22.33.
Variant type: single nucleotide variant.
Coding change: c.6956G>C on transcript NM_000426.4 (MANE Select); coding-DNA position 6956, G replaced by C.
Protein change: p.Arg2319Pro; replaces arginine 2319 with proline.
Molecular consequence: missense variant.
Genome position (GRCh38, 1-based): chr6:129,460,288, G>C. VCF-style: chr6-129460288-G-C. GRCh37 (hg19) VCF-style: chr6-129781433-G-C.
Other names: c.6956G>C, p.Arg2319Pro (NM_001079823.2); short protein forms R2319P.
Identifiers: ClinVar variation 2094966 (VCV002094966.4), dbSNP rs750013590, ClinGen allele CA365619342.

ClinVar aggregate classification (germline): Uncertain significance (1 of 4 stars; one submission).

Conditions:
LAMA2-related muscular dystrophy (LAMA2-RD). Also called: Laminin alpha 2-related dystrophy. Identifiers: MedGen C5679788, MONDO:0100228.

Submission:

Labcorp Genetics (formerly Invitae), Labcorp
Classification: Uncertain significance for LAMA2-related muscular dystrophy. Last evaluated: 2022-02-08. Review status: criteria provided, single submitter. Criteria: Invitae Variant Classification Sherloc (09022015). Collection method: clinical testing. Allele origin: germline.
Comment: In summary, the available evidence is currently insufficient to determine the role of this variant in disease. Therefore, it has been classified as a Variant of Uncertain Significance. Advanced modeling of protein sequence and biophysical properties (such as structural, functional, and spatial information, amino acid conservation, physicochemical variation, residue mobility, and thermodynamic stability) performed at Invitae indicates that this missense variant is not expected to disrupt LAMA2 protein function. This variant has not been reported in the literature in individuals affected with LAMA2-related conditions. This variant is not present in population databases (gnomAD no frequency). This sequence change replaces arginine, which is basic and polar, with proline, which is neutral and non-polar, at codon 2319 of the LAMA2 protein (p.Arg2319Pro).